The following is an entry in ClinVar:

NM_021620.4(PRDM13):c.119G>T (p.Arg40Leu)

Gene: PRDM13 (PR/SET domain 13; plus strand). Cytogenetic location: 6q16.2.
Variant type: single nucleotide variant.
Coding change: c.119G>T on transcript NM_021620.4 (MANE Select); coding-DNA position 119, G replaced by T.
Protein change: p.Arg40Leu; replaces arginine 40 with leucine.
Molecular consequence: missense variant.
Genome position (GRCh38, 1-based): chr6:99,607,153, G>T. VCF-style: chr6-99607153-G-T. GRCh37 (hg19) VCF-style: chr6-100055029-G-T.
Other names: short protein forms R40L.
Identifiers: ClinVar variation 1378802 (VCV001378802.6), dbSNP rs752925492, ClinGen allele CA365113266.

ClinVar aggregate classification (germline): Uncertain significance (1 of 4 stars; one submission).

Allele frequency attached by ClinVar (database versions not stated): TOPMed 0.00002.
gnomAD v4.1: 1 of 1,613,804 alleles (0.000062%); highest among the groups gnomAD compares: Non-Finnish European, 0.000085%; no homozygotes.

Submission:

Labcorp Genetics (formerly Invitae), Labcorp
Classification: Uncertain significance. Last evaluated: 2021-08-31. Review status: criteria provided, single submitter. Criteria: Invitae Variant Classification Sherloc (09022015). Collection method: clinical testing. Allele origin: germline.
Comment: This sequence change replaces arginine with leucine at codon 40 of the PRDM13 protein (p.Arg40Leu). The arginine residue is highly conserved and there is a moderate physicochemical difference between arginine and leucine. This variant is not present in population databases (ExAC no frequency). This variant has not been reported in the literature in individuals affected with PRDM13-related conditions. Algorithms developed to predict the effect of missense changes on protein structure and function are either unavailable or do not agree on the potential impact of this missense change (SIFT: "Deleterious"; PolyPhen-2: "Probably Damaging"; Align-GVGD: "Class C0"). In summary, the available evidence is currently insufficient to determine the role of this variant in disease. Therefore, it has been classified as a Variant of Uncertain Significance.